The following is an entry in ClinVar:

NM_000797.4(DRD4):c.64GCATCTGCGGGG[1] (p.22ASAG[1])

Gene: DRD4 (dopamine receptor D4; plus strand). Cytogenetic location: 11p15.5.
Variant type: Microsatellite.
Coding change: c.64GCATCTGCGGGG[1] on transcript NM_000797.4 (MANE Select); one copy of the 12-base unit GCATCTGCGGGG starting at c.64; the reference has two copies in a row; one copy, 12 bases deleted.
Protein change: p.22ASAG[1].
Genome position (GRCh38, 1-based): chr11:637,380-637,391, GCATCTGCGGGG deleted; deleting any 12 consecutive bases within chr11:637,362-637,391 gives the same sequence; the position shown is the placement nearest the transcript's 3' end. VCF-style (leftmost placement, unchanged base first): chr11-637361-CGCGGGGGCATCT-C. GRCh37 (hg19) VCF-style: chr11-637361-CGCGGGGGCATCT-C.
Identifiers: ClinVar variation 3059869 (VCV003059869.2), dbSNP rs572586776, ClinGen allele CA5785526.
Genomic context (GRCh38, chr11:637,361, plus strand): 5'-CGCCATGGGGAACCGCAGCACCGCGGACGCGGACGGGCTGCTGGCTGGGCGCGGGCCGGC[CGCGGGGGCATCT>C]GCGGGGGCATCTGCGGGGCTGGCTGGGCAGGGCGCGGCGGCGCTGGTGGGGGGCGTGCTG-3'

ClinVar aggregate classification (germline): Benign (0 of 4 stars; one submission).

Conditions:
DRD4-related disorder. Also called: DRD4-related condition.

Submission:

PreventionGenetics, part of Exact Sciences
Classification: Benign for DRD4-related condition. Last evaluated: 2024-07-20. Review status: no assertion criteria provided. Collection method: clinical testing. Allele origin: germline.
Comment: This variant is classified as benign based on ACMG/AMP sequence variant interpretation guidelines (Richards et al. 2015 PMID: 25741868, with internal and published modifications).